The following is an entry in ClinVar:

ClinVar aggregate classification (germline): Uncertain significance (1 of 4 stars; one submission).

Conditions:
Combined immunodeficiency due to LRBA deficiency. Also called: Common variable immunodeficiency 8, with autoimmunity. Identifiers: Orphanet 445018, MedGen C3553512, MONDO:0013863, OMIM 614700.

Submission:

Neuberg Centre For Genomic Medicine, NCGM
Classification: Uncertain significance for Combined immunodeficiency due to LRBA deficiency. Last evaluated: 2023-03-01. Review status: criteria provided, single submitter. Criteria: ACMG Guidelines, 2015. Collection method: clinical testing. Allele origin: germline. Inheritance: Autosomal recessive inheritance. Affected: yes.
Comment: The missense variant c.2191A>C (p.Lys731Gln) in LRBA gene has not been reported previously as a pathogenic variant nor as a benign variant, to our knowledge. This variant is novel (not in any individuals) in gnomAD Exomes and 1000 Genomes. The amino acid Lysine at position 731 is changed to a Glutamine changing protein sequence and it might alter its composition and physico-chemical properties. The amino acid change p.Lys731Gln in LRBA is predicted as conserved by GERP++ and PhyloP across 100 vertebrates. For these reasons, this variant has been classified as Uncertain Significance.

NM_001364905.1(LRBA):c.2191A>C (p.Lys731Gln)

Gene: LRBA (LPS responsive beige-like anchor protein; minus strand). Cytogenetic location: 4q31.3.
Variant type: single nucleotide variant.
Coding change: c.2191A>C on transcript NM_001364905.1 (MANE Select); coding-DNA position 2191, A replaced by C.
Protein change: p.Lys731Gln; replaces lysine 731 with glutamine.
Molecular consequence: missense variant.
Genome position (GRCh38, 1-based): chr4:150,872,730, T>G on the plus strand (A>C on the coding strand, the complement: LRBA is on the minus strand). VCF-style: chr4-150872730-T-G. GRCh37 (hg19) VCF-style: chr4-151793882-T-G.
Other names: c.2191A>C, p.Lys731Gln (NM_001199282.3, NM_001367550.1, NM_006726.5); short protein forms K731Q.
Identifiers: ClinVar variation 2671666 (VCV002671666.1), dbSNP rs748148573, ClinGen allele CA358467622.
Genomic context (GRCh38, chr4:150,872,730, plus strand): 5'-CCAGATGTTTTAAAAAATAACCCATTGCCTTAAGAGCTTGTACCCTGATTCCTTCACTTT[T>G]CGATGCCAGAAGTTTGTAGATAACACTGAATGAATAAAAATTTAAAACAAACTATTTTGA-3'
Protein context (NP_001351834.1, residues 721-741): LRVIYKLLAS[Lys731Gln]SEGIRVQALK